The following is an entry in ClinVar:

NM_001374736.1(DST):c.18146A>G (p.Asp6049Gly)

Gene: DST (dystonin; minus strand). Cytogenetic location: 6p12.1.
Variant type: single nucleotide variant.
Coding change: c.18146A>G on transcript NM_001374736.1 (MANE Select); coding-DNA position 18146, A replaced by G.
Protein change: p.Asp6049Gly; replaces aspartic acid 6049 with glycine.
Molecular consequence: missense variant.
Genome position (GRCh38, 1-based): chr6:56,517,604, T>C on the plus strand (A>G on the coding strand, the complement: DST is on the minus strand). VCF-style: chr6-56517604-T-C. GRCh37 (hg19) VCF-style: chr6-56382402-T-C.
Other names: c.11789A>G, p.Asp3930Gly (NM_001144769.5); c.11375A>G, p.Asp3792Gly (NM_001144770.2); c.18146A>G, p.Asp6049Gly (NM_001374722.1); c.17186A>G, p.Asp5729Gly (NM_001374729.1); c.10928A>G, p.Asp3643Gly (NM_001374730.1); c.18173A>G, p.Asp6058Gly (NM_001374734.1); c.11255A>G, p.Asp3752Gly (NM_001386100.1, NM_183380.4); c.10277A>G, p.Asp3426Gly (NM_015548.5); short protein forms D3426G, D3643G, D3752G, D3792G, D3930G, D5729G, D6049G, D6058G.
Identifiers: ClinVar variation 999559 (VCV000999559.7), dbSNP rs1172615642, ClinGen allele CA364504419.

ClinVar aggregate classification (germline): Uncertain significance (1 of 4 stars; one submission).

Conditions:
Epidermolysis bullosa simplex 3, localized or generalized intermediate, with BP230 deficiency (EBS3). Also called: Epidermolysis bullosa simplex, autosomal recessive 2; Epidermolysis bullosa simplex due to BP230 deficiency. Identifiers: Orphanet 412181, MedGen C3809470, MONDO:0014180, OMIM 615425.
Hereditary sensory and autonomic neuropathy type 6. Also called: HSAN VI; Neuropathy, hereditary sensory and autonomic, type VI. Identifiers: Orphanet 314381, MedGen C3539003, MONDO:0013839, OMIM 614653.

Submission:

Labcorp Genetics (formerly Invitae), Labcorp
Classification: Uncertain significance for Epidermolysis bullosa simplex 3, localized or generalized intermediate, with BP230 deficiency; Hereditary sensory and autonomic neuropathy type 6. Last evaluated: 2020-08-23. Review status: criteria provided, single submitter. Criteria: Invitae Variant Classification Sherloc (09022015). Collection method: clinical testing. Allele origin: germline.
Comment: This sequence change replaces aspartic acid with glycine at codon 3426 of the DST protein (p.Asp3426Gly). The aspartic acid residue is moderately conserved and there is a moderate physicochemical difference between the two amino acids. The DST gene has multiple clinically relevant transcripts. This variant occurs in alternate transcript NM_015548.4, and corresponds to NM_001723.5:c.*97913A>G in the primary transcript. This variant is not present in population databases (ExAC no frequency). This variant has not been reported in the literature in individuals with DST-related conditions. Experimental studies and prediction algorithms are not available or were not evaluated, and the functional significance of this variant is currently unknown. In summary, the available evidence is currently insufficient to determine the role of this variant in disease. Therefore, it has been classified as a Variant of Uncertain Significance.